The following is an entry in ClinVar:

NM_001999.4(FBN2):c.3345C>G (p.Asp1115Glu)

Gene: FBN2 (fibrillin 2; minus strand). Cytogenetic location: 5q23.3.
Variant type: single nucleotide variant.
Coding change: c.3345C>G on transcript NM_001999.4 (MANE Select); coding-DNA position 3345, C replaced by G.
Protein change: p.Asp1115Glu; replaces aspartic acid 1115 with glutamic acid.
Molecular consequence: missense variant.
Genome position (GRCh38, 1-based): chr5:128,339,060, G>C on the plus strand (C>G on the coding strand, the complement: FBN2 is on the minus strand). VCF-style: chr5-128339060-G-C. GRCh37 (hg19) VCF-style: chr5-127674752-G-C.
Other names: short protein forms D1115E.
Identifiers: ClinVar variation 2063325 (VCV002063325.5), dbSNP rs767959990, ClinGen allele CA3395255.

ClinVar aggregate classification (germline): Uncertain significance. Review status: criteria provided, multiple submitters, no conflicts (2 of 4 stars). 2 submissions from 2 submitters: Uncertain significance (2). Last evaluated 2025-02-12.

Conditions:
Congenital contractural arachnodactyly (CCA). Also called: BEALS SYNDROME; Beals-Hecht syndrome; Arthrogryposis, distal, type 9. Identifiers: Orphanet 115, MedGen C0220668, MONDO:0007363, OMIM 121050.

Allele frequency attached by ClinVar (database versions not stated): ExAC 0.00001; gnomAD 0.00001; TOPMed 0.00001.
gnomAD v4.1: 6 of 1,613,766 alleles (0.00037%); highest among the groups gnomAD compares: Admixed American, 0.01%; no homozygotes.

Submissions (2):

3billion
Classification: Uncertain significance for Congenital contractural arachnodactyly. Last evaluated: 2025-02-12. Review status: criteria provided, single submitter. Criteria: ACMG Guidelines, 2015. Collection method: clinical testing. Allele origin: germline. Affected: yes.
Comment: The variant is observed at an extremely low frequency in the gnomAD v4.1.0 dataset (total allele frequency: <0.001%). Predicted Consequence/Location: The variant is located in a mutational hot spot and/or well-established functional domain in which established pathogenic variants have been reported (PMID: 35360850, 17345643). In silico tool predictions suggest damaging effect of the variant on gene or gene product [REVEL: 0.84 (>=0.6, sensitivity 0.68 and specificity 0.92)]. Different missense changes at the same codon (p.Asp1115Ala, p.Asp1115His, p.Asp1115Val) have been reported to be associated with FBN2-related disorder (ClinVar ID: VCV000000525, VCV000222629 /PMID: 31316167, 33638605, 9737771). However the evidence of pathogenicity is insufficient at this time. Therefore, this variant is classified as VUS according to the recommendation of ACMG/AMP guideline.

Labcorp Genetics (formerly Invitae), Labcorp
Classification: Uncertain significance for Congenital contractural arachnodactyly. Last evaluated: 2024-12-19. Review status: criteria provided, single submitter. Criteria: Invitae Variant Classification Sherloc (09022015). Collection method: clinical testing. Allele origin: germline.
Comment: This sequence change replaces aspartic acid, which is acidic and polar, with glutamic acid, which is acidic and polar, at codon 1115 of the FBN2 protein (p.Asp1115Glu). This variant is present in population databases (rs767959990, gnomAD 0.006%). This missense change has been observed in individual(s) with clinical features of congenital contractural arachnodactyly (internal data). ClinVar contains an entry for this variant (Variation ID: 2063325). An algorithm developed to predict the effect of missense changes on protein structure and function (PolyPhen-2) suggests that this variant is likely to be disruptive. This variant disrupts the p.Asp1115 amino acid residue in FBN2. Other variant(s) that disrupt this residue have been observed in individuals with FBN2-related conditions (PMID: 31316167, 33340101, 33638605), which suggests that this may be a clinically significant amino acid residue. In summary, the available evidence is currently insufficient to determine the role of this variant in disease. Therefore, it has been classified as a Variant of Uncertain Significance.

Literature cited by the submitters: PubMed 31316167 (cited by 3billion and Labcorp Genetics (formerly Invitae), Labcorp); PubMed 33340101 (cited by Labcorp Genetics (formerly Invitae), Labcorp); PubMed 33638605 (cited by Labcorp Genetics (formerly Invitae), Labcorp).